The following is an entry in ClinVar:

ClinVar aggregate classification (germline): Uncertain significance (1 of 4 stars; one submission).

Conditions:
Immunodeficiency 14 (IMD14A). Also called: ACTIVATED PI3K-DELTA SYNDROME 1; IMMUNODEFICIENCY 14A WITH LYMPHOPROLIFERATION, AUTOSOMAL DOMINANT; Activated PI3K Delta Syndrome Type 1 (APDS1); p110-DELTA-ACTIVATING MUTATION CAUSING SENESCENT T CELLS, LYMPHADENOPATHY, AND IMMUNODEFICIENCY. Identifiers: Orphanet 397596, Orphanet 693661, MedGen C5907821, MONDO:0014222, OMIM 615513.

Allele frequency attached by ClinVar (database versions not stated): gnomAD exomes below 0.00001 and 0.00002; ExAC 0.00001; gnomAD 0.00001.
gnomAD v4.1: 33 of 1,613,988 alleles (0.002%); highest among the groups gnomAD compares: Non-Finnish European, 0.0025%; no homozygotes.

Submission:

Labcorp Genetics (formerly Invitae), Labcorp
Classification: Uncertain significance for Activated PI3K-delta syndrome. Last evaluated: 2024-11-15. Review status: criteria provided, single submitter. Criteria: Invitae Variant Classification Sherloc (09022015). Collection method: clinical testing. Allele origin: germline.
Comment: This sequence change replaces glutamine, which is neutral and polar, with glutamic acid, which is acidic and polar, at codon 944 of the PIK3CD protein (p.Gln944Glu). This variant is present in population databases (rs757964104, gnomAD 0.0009%). This missense change has been observed in individual(s) with activated PI3K-delta syndrome (APDS) (PMID: 35753512). ClinVar contains an entry for this variant (Variation ID: 1025757). Invitae Evidence Modeling of protein sequence and biophysical properties (such as structural, functional, and spatial information, amino acid conservation, physicochemical variation, residue mobility, and thermodynamic stability) indicates that this missense variant is not expected to disrupt PIK3CD protein function with a negative predictive value of 80%. In summary, the available evidence is currently insufficient to determine the role of this variant in disease. Therefore, it has been classified as a Variant of Uncertain Significance.

Literature cited by the submitters: PubMed 35753512.

NM_005026.5(PIK3CD):c.2830C>G (p.Gln944Glu)

Gene: PIK3CD (phosphatidylinositol-4,5-bisphosphate 3-kinase catalytic subunit delta; plus strand). Cytogenetic location: 1p36.22.
Variant type: single nucleotide variant.
Coding change: c.2830C>G on transcript NM_005026.5 (MANE Select); coding-DNA position 2830, C replaced by G.
Protein change: p.Gln944Glu; replaces glutamine 944 with glutamic acid.
Molecular consequence: missense variant.
Genome position (GRCh38, 1-based): chr1:9,724,387, C>G. VCF-style: chr1-9724387-C-G. GRCh37 (hg19) VCF-style: chr1-9784445-C-G.
Other names: c.2827C>G, p.Gln943Glu (NM_001350234.2); c.2743C>G, p.Gln915Glu (NM_001350235.1); short protein forms Q915E, Q943E, Q944E.
Identifiers: ClinVar variation 1025757 (VCV001025757.9), dbSNP rs757964104, ClinGen allele CA577635.